The following is an entry in ClinVar:

ClinVar aggregate classification (germline): Benign. Review status: criteria provided, multiple submitters, no conflicts (2 of 4 stars). 5 submissions from 3 submitters: Benign (5). Last evaluated 2024-07-15.

Conditions:
Channelopathy-associated congenital insensitivity to pain, autosomal recessive. Also called: ASYMBOLIA FOR PAIN; CONGENITAL ANALGESIA, AUTOSOMAL RECESSIVE; Insensitivity to pain, channelopathy-associated. Identifiers: Orphanet 88642, Orphanet 970, MedGen C1855739, MONDO:0009459, OMIM 243000.
Paroxysmal extreme pain disorder (PEXPD). Also called: PAIN, SUBMANDIBULAR, OCULAR, AND RECTAL, WITH FLUSHING; RECTAL PAIN, FAMILIAL; SCN9A Paroxysmal Extreme Pain Disorder (SCN9A-PEPD). Identifiers: Orphanet 46348, MedGen C1833661, MONDO:0008179, OMIM 167400.
Primary erythromelalgia. Also called: SCN9A Erythromelalgia (SCN9A-EM); primary erythermalgia. Identifiers: Orphanet 306577, Orphanet 90026, MedGen C0014805, MONDO:0007571, OMIM 133020.

Allele frequency attached by ClinVar (database versions not stated): gnomAD exomes 0.71029 and 0.71214; ExAC 0.71843; 1000 Genomes Project 0.73243; 1000 Genomes Project 30x 0.73563; gnomAD 0.74055 and 0.74453; TOPMed 0.75131; ESP Exome Variant Server 0.75553.
gnomAD v4.1: 1,150,753 of 1,612,184 alleles (71%); highest among the groups gnomAD compares: African/African-American, 85%; 412,459 homozygotes.

Submissions (5):

Unidad de Genómica Garrahan, Hospital de Pediatría Garrahan
Classification: Benign. Last evaluated: 2024-07-15. Review status: criteria provided, single submitter. Criteria: ACMG Guidelines, 2015. Collection method: clinical testing. Allele origin: germline. Affected: no. Observed: 86 variant alleles.
Comment: This variant is classified as Benign based on local population frequency. This variant was detected in 92% of patients studied in a panel designed for Epileptic and Developmental Encephalopathy and Progressive Myoclonus Epilepsy. Number of patients: 86. Only high quality variants are reported.

Genome-Nilou Lab
Classification: Benign for Primary erythromelalgia. Last evaluated: 2021-07-15. Review status: criteria provided, single submitter. Criteria: ACMG Guidelines, 2015. Collection method: clinical testing. Allele origin: germline. Affected: no.

Genome-Nilou Lab
Classification: Benign for Channelopathy-associated congenital insensitivity to pain, autosomal recessive. Last evaluated: 2021-07-15. Review status: criteria provided, single submitter. Criteria: ACMG Guidelines, 2015. Collection method: clinical testing. Allele origin: germline. Affected: no.

Genome-Nilou Lab
Classification: Benign for Paroxysmal extreme pain disorder. Last evaluated: 2021-07-15. Review status: criteria provided, single submitter. Criteria: ACMG Guidelines, 2015. Collection method: clinical testing. Allele origin: germline. Affected: no.

Breakthrough Genomics
Classification: Benign. Review status: criteria provided, single submitter. Criteria: ACMG Guidelines, 2015. Collection method: not provided. Allele origin: germline. Inheritance: Autosomal recessive inheritance. Affected: yes.

NM_001365536.1(SCN9A):c.596+25C>T

Gene: SCN9A (sodium voltage-gated channel alpha subunit 9; minus strand). Cytogenetic location: 2q24.3.
Variant type: single nucleotide variant.
Coding change: c.596+25C>T on transcript NM_001365536.1 (MANE Select); 25 bases into the intron after coding-DNA position 596, C replaced by T.
Molecular consequence: intron variant.
Genome position (GRCh38, 1-based): chr2:166,305,767, G>A on the plus strand (C>T on the coding strand, the complement: SCN9A is on the minus strand). VCF-style: chr2-166305767-G-A. GRCh37 (hg19) VCF-style: chr2-167162277-G-A.
Other names: c.596+25C>T (NM_002977.4).
Identifiers: ClinVar variation 1332926 (VCV001332926.5), dbSNP rs4429487, ClinGen allele CA1944755.